The following is an entry in ClinVar:

ClinVar aggregate classification (germline): Likely benign. Review status: criteria provided, multiple submitters, no conflicts (2 of 4 stars). 2 submissions from 2 submitters: Likely benign (2). Last evaluated 2025-06-09.

Conditions:
Glycogen storage disease type III (GSD3). Also called: FORBES DISEASE; Cori disease. Identifiers: Orphanet 366, MedGen C0017922, MONDO:0009291, OMIM 232400.

gnomAD v4.1: 38 of 1,613,904 alleles (0.0024%); highest among the groups gnomAD compares: Non-Finnish European, 0.0032%; no homozygotes.

Submissions (2):

Mayo Clinic Laboratories, Mayo Clinic
Classification: Likely benign. Last evaluated: 2025-06-09. Review status: criteria provided, single submitter. Criteria: ACMG Guidelines, 2015. Collection method: clinical testing. Allele origin: germline. Observed: 1 variant allele.
Comment: BP4, BP7

Labcorp Genetics (formerly Invitae), Labcorp
Classification: Likely benign for Glycogen storage disease type III. Last evaluated: 2024-09-27. Review status: criteria provided, single submitter. Criteria: Invitae Variant Classification Sherloc (09022015). Collection method: clinical testing. Allele origin: germline.

NM_000642.3(AGL):c.1950A>G (p.Ala650=)

Gene: AGL (amylo-alpha-1,6-glucosidase and 4-alpha-glucanotransferase; plus strand). Cytogenetic location: 1p21.2.
Variant type: single nucleotide variant.
Coding change: c.1950A>G on transcript NM_000642.3 (MANE Select); coding-DNA position 1950, A replaced by G.
Protein change: p.Ala650=; no amino-acid change (alanine 650 retained).
Molecular consequence: synonymous variant.
Genome position (GRCh38, 1-based): chr1:99,881,126, A>G. VCF-style: chr1-99881126-A-G. GRCh37 (hg19) VCF-style: chr1-100346682-A-G.
Other names: p.Ala650=; c.1902A>G, p.Ala634= (NM_000646.3); c.1950A>G, p.Ala650= (NM_001425325.1, NM_001425326.1, NM_000028.3 and 2 more transcripts); c.1749A>G, p.Ala583= (NM_001425327.1); c.1746A>G, p.Ala582= (NM_001425328.1, NM_001425329.1); c.1572A>G, p.Ala524= (NM_001425332.1).
Identifiers: ClinVar variation 1082833 (VCV001082833.8), dbSNP rs776501271, ClinGen allele CA966648.